The following is an entry in ClinVar:

NM_001148.6(ANK2):c.11509G>A (p.Glu3837Lys)

Gene: ANK2 (ankyrin 2; plus strand). Cytogenetic location: 4q26.
Variant type: single nucleotide variant.
Coding change: c.11509G>A on transcript NM_001148.6 (MANE Select); coding-DNA position 11509, G replaced by A.
Protein change: p.Glu3837Lys; replaces glutamic acid 3837 with lysine.
Molecular consequence: missense variant.
Genome position (GRCh38, 1-based): chr4:113,369,704, G>A. VCF-style: chr4-113369704-G-A. GRCh37 (hg19) VCF-style: chr4-114290860-G-A.
Other names: c.11509G>A (NM_001148.4); c.5227G>A, p.Glu1743Lys (NM_001127493.3); c.5266G>A, p.Glu1756Lys (NM_001354225.2); c.5155G>A, p.Glu1719Lys (NM_001354228.2, NM_001354258.2); c.5233G>A, p.Glu1745Lys (NM_001354230.2); c.5296G>A, p.Glu1766Lys (NM_001354231.2, NM_001354242.2); c.5290G>A, p.Glu1764Lys (NM_001354232.2); c.5251G>A, p.Glu1751Lys (NM_001354235.2, NM_001354246.2, NM_001354265.2); and 36 more; short protein forms E1624K, E1652K, E1657K, E1665K, E1674K, E1677K, E1681K, E1686K.
Identifiers: ClinVar variation 684866 (VCV000684866.9), dbSNP rs766615247, ClinGen allele CA3052298.

ClinVar aggregate classification (germline): Uncertain significance. Review status: criteria provided, multiple submitters, no conflicts (2 of 4 stars). 3 submissions from 3 submitters: Uncertain significance (3). Last evaluated 2025-04-26.

Conditions:
Cardiovascular phenotype. Identifiers: MedGen CN230736.
Long QT syndrome (LQTS). Identifiers: MedGen C0023976, MeSH D008133, MONDO:0002442. Disease mechanism: loss of function. Inheritance: Various modes of inheritance.

Allele frequency attached by ClinVar (database versions not stated): TOPMed below 0.00001; gnomAD 0.00003.
gnomAD v4.1: 13 of 1,614,004 alleles (0.00081%); highest among the groups gnomAD compares: Non-Finnish European, 0.0011%; no homozygotes.

Submissions (3):

Labcorp Genetics (formerly Invitae), Labcorp
Classification: Uncertain significance for Long QT syndrome. Last evaluated: 2025-04-26. Review status: criteria provided, single submitter. Criteria: Invitae Variant Classification Sherloc (09022015). Collection method: clinical testing. Allele origin: germline.
Comment: This sequence change replaces glutamic acid, which is acidic and polar, with lysine, which is basic and polar, at codon 3837 of the ANK2 protein (p.Glu3837Lys). This variant is present in population databases (rs766615247, gnomAD 0.003%). This variant has not been reported in the literature in individuals affected with ANK2-related conditions. ClinVar contains an entry for this variant (Variation ID: 684866). Invitae Evidence Modeling of protein sequence and biophysical properties (such as structural, functional, and spatial information, amino acid conservation, physicochemical variation, residue mobility, and thermodynamic stability) indicates that this missense variant is not expected to disrupt ANK2 protein function with a negative predictive value of 80%. In summary, the available evidence is currently insufficient to determine the role of this variant in disease. Therefore, it has been classified as a Variant of Uncertain Significance.

Ambry Genetics
Classification: Uncertain significance for Cardiovascular phenotype. Last evaluated: 2024-07-29. Review status: criteria provided, single submitter. Criteria: Ambry Variant Classification Scheme 2023. Collection method: clinical testing. Allele origin: germline.
Comment: The p.E3837K variant (also known as c.11509G>A), located in coding exon 43 of the ANK2 gene, results from a G to A substitution at nucleotide position 11509. The glutamic acid at codon 3837 is replaced by lysine, an amino acid with similar properties. This amino acid position is conserved. In addition, the in silico prediction for this alteration is inconclusive. Based on the available evidence, the clinical significance of this variant remains unclear.

Molecular Diagnostic Laboratory for Inherited Cardiovascular Disease, Montreal Heart Institute
Classification: Uncertain significance. Review status: criteria provided, single submitter. Criteria: ACMG Guidelines, 2015. Collection method: clinical testing. Allele origin: germline. Affected: yes.